The following is an entry in ClinVar:

ClinVar aggregate classification (germline): Pathogenic (1 of 4 stars; one submission).

Conditions:
Hereditary factor IX deficiency disease (HEMB). Also called: Hemophilia B; F9 DEFICIENCY; FACTOR IX DEFICIENCY; PLASMA THROMBOPLASTIN COMPONENT DEFICIENCY; Christmas Disease. Identifiers: Orphanet 98879, MedGen C0008533, MeSH D002836, MONDO:0010604, OMIM 306900.
Thrombophilia, X-linked, due to factor 9 defect. Identifiers: MedGen C2749016, MONDO:0010432, OMIM 300807.

Submission:

Labcorp Genetics (formerly Invitae), Labcorp
Classification: Pathogenic for Thrombophilia, X-linked, due to factor 9 defect; Hereditary factor IX deficiency disease. Last evaluated: 2020-03-08. Review status: criteria provided, single submitter. Criteria: Invitae Variant Classification Sherloc (09022015). Collection method: clinical testing. Allele origin: germline.
Comment: For these reasons, this variant has been classified as Pathogenic. This variant disrupts the p.Gly280 amino acid residue in F9. Other variant(s) that disrupt this residue have been observed in individuals with F9-related conditions (PMID: 9450791, 15921378, 22544209), which suggests that this may be a clinically significant amino acid residue. Algorithms developed to predict the effect of sequence changes on RNA splicing suggest that this variant may disrupt the consensus splice site, but this prediction has not been confirmed by published transcriptional studies. Algorithms developed to predict the effect of missense changes on protein structure and function (SIFT, PolyPhen-2, Align-GVGD) all suggest that this variant is likely to be disruptive, but these predictions have not been confirmed by published functional studies and their clinical significance is uncertain. This variant has been observed in individual(s) with hemophilia B (PMID: 18479429, 22103590, Invitae). This variant is also known as Gly234Asp in the literature. This variant is not present in population databases (ExAC no frequency). This sequence change replaces glycine with aspartic acid at codon 280 of the F9 protein (p.Gly280Asp). The glycine residue is highly conserved and there is a moderate physicochemical difference between glycine and aspartic acid.

Literature cited by the submitters: PubMed 9450791; PubMed 15921378; PubMed 22544209; PubMed 18479429; PubMed 22103590.

NM_000133.4(F9):c.839G>A (p.Gly280Asp)

Gene: F9 (coagulation factor IX; plus strand). Cytogenetic location: Xq27.1.
Variant type: single nucleotide variant.
Coding change: c.839G>A on transcript NM_000133.4 (MANE Select); coding-DNA position 839, G replaced by A.
Protein change: p.Gly280Asp; replaces glycine 280 with aspartic acid.
Molecular consequence: missense variant.
Genome position (GRCh38, 1-based): chrX:139,561,524, G>A. VCF-style: chrX-139561524-G-A. GRCh37 (hg19) VCF-style: chrX-138643683-G-A.
Other names: c.725G>A, p.Gly242Asp (NM_001313913.2); short protein forms G242D, G280D.
Identifiers: ClinVar variation 1070513 (VCV001070513.9), dbSNP rs1275842849, ClinGen allele CA414444400.
Genomic context (GRCh38, chrX:139,561,524, plus strand): 5'-TAGAAAATCTGTGTATGTGAAATACTGTTTGTGACTTAAAATGAAATTTATTTTTAATAG[G>A]TGAACATAATATTGAGGAGACAGAACATACAGAGCAAAAGCGAAATGTGATTCGAATTAT-3'
Protein context (NP_000124.1, residues 270-290): ETGVKITVVA[Gly280Asp]EHNIEETEHT